The following is an entry in ClinVar:

ClinVar aggregate classification (germline): Uncertain significance (1 of 4 stars; one submission).

Submission:

Labcorp Genetics (formerly Invitae), Labcorp
Classification: Uncertain significance. Last evaluated: 2026-01-27. Review status: criteria provided, single submitter. Criteria: Invitae Variant Classification Sherloc (09022015). Collection method: clinical testing. Allele origin: germline.
Comment: This sequence change replaces serine, which is neutral and polar, with tryptophan, which is neutral and slightly polar, at codon 90 of the ANLN protein (p.Ser90Trp). This variant is not present in population databases (gnomAD no frequency). This variant has not been reported in the literature in individuals affected with ANLN-related conditions. An algorithm developed to predict the effect of missense changes on protein structure and function (PolyPhen-2) suggests that this variant is likely to be disruptive. In summary, the available evidence is currently insufficient to determine the role of this variant in disease. Therefore, it has been classified as a Variant of Uncertain Significance.

NM_018685.5(ANLN):c.269C>G (p.Ser90Trp)

Gene: ANLN (anillin, actin binding protein; plus strand). Cytogenetic location: 7p14.2.
Variant type: single nucleotide variant.
Coding change: c.269C>G on transcript NM_018685.5 (MANE Select); coding-DNA position 269, C replaced by G.
Protein change: p.Ser90Trp; replaces serine 90 with tryptophan.
Molecular consequence: missense variant.
Genome position (GRCh38, 1-based): chr7:36,399,175, C>G. VCF-style: chr7-36399175-C-G. GRCh37 (hg19) VCF-style: chr7-36438784-C-G.
Other names: c.269C>G, p.Ser90Trp (NM_001284301.3, NM_001284302.3); short protein forms S90W.
Identifiers: ClinVar variation 4767382 (VCV004767382.1).
Genomic context (GRCh38, chr7:36,399,175, plus strand): 5'-GCTGTTCTGACAACACTGAAGTAGAAGTTTCTAACTTGGAAAATAAACAACCAGTTGAGT[C>G]GACATCTGCAAAATCTTGTTCTCCAAGTCCTGTGTCTCCTCAGGTGCAGCCACAAGCAGC-3'
Protein context (NP_061155.2, residues 80-100): SNLENKQPVE[Ser90Trp]TSAKSCSPSP